The following is an entry in ClinVar:

ClinVar aggregate classification (germline): Likely benign. Review status: criteria provided, multiple submitters, no conflicts (2 of 4 stars). 4 submissions from 4 submitters: Likely benign (4). Last evaluated 2025-04-01.

Conditions:
Familial thoracic aortic aneurysm and aortic dissection (TAAD). Also called: Thoracic aortic aneurysms and dissections. Identifiers: Orphanet 91387, MedGen C4707243, MONDO:0019625.
Aortic aneurysm, familial thoracic 4 (AAT4). Also called: AORTIC ANEURYSM/AORTIC DISSECTION AND PATENT DUCTUS ARTERIOSUS. Identifiers: MedGen C1851504, MONDO:0007568, OMIM 132900.

Allele frequency attached by ClinVar (database versions not stated): gnomAD 0.00001; gnomAD exomes 0.00001; TOPMed 0.00001; ExAC 0.00002.
gnomAD v4.1: 12 of 1,613,714 alleles (0.00074%); highest among the groups gnomAD compares: East Asian, 0.0045%; no homozygotes.

Submissions (4):

Labcorp Genetics (formerly Invitae), Labcorp
Classification: Likely benign for Aortic aneurysm, familial thoracic 4. Last evaluated: 2025-04-01. Review status: criteria provided, single submitter. Criteria: Invitae Variant Classification Sherloc (09022015). Collection method: clinical testing. Allele origin: germline.

Ambry Genetics
Classification: Likely benign for Familial thoracic aortic aneurysm and aortic dissection. Last evaluated: 2024-11-17. Review status: criteria provided, single submitter. Criteria: Ambry Variant Classification Scheme 2023. Collection method: clinical testing. Allele origin: germline.

All of Us Research Program, National Institutes of Health
Classification: Likely benign for Familial thoracic aortic aneurysm and aortic dissection. Last evaluated: 2023-12-01. Review status: criteria provided, single submitter. Criteria: ACMG Guidelines, 2015. Collection method: clinical testing. Allele origin: germline. Inheritance: Autosomal dominant inheritance. Observed: 4 variant alleles, 4 heterozygotes.
Comment: This study involves interpretation of variants in research participants for the purpose of population health screening. Participant phenotype was not available at the time of variant classification. Additional details can be found in publication PMID: 35346344, PMCID: PMC8962531

Color Diagnostics, LLC DBA Color Health
Classification: Likely benign for Familial thoracic aortic aneurysm and aortic dissection. Last evaluated: 2018-09-24. Review status: criteria provided, single submitter. Criteria: ACMG Guidelines, 2015. Collection method: clinical testing. Allele origin: germline.

NM_002474.3(MYH11):c.4797C>T (p.His1599=)

Genes: NDE1 (nudE neurodevelopment protein 1; plus strand), MYH11 (myosin heavy chain 11; minus strand). Cytogenetic location: 16p13.11.
Variant type: single nucleotide variant.
Coding change: c.4797C>T on transcript NM_002474.3 (MANE Select); coding-DNA position 4797, C replaced by T.
Protein change: p.His1599=; no amino-acid change (histidine 1599 retained).
Molecular consequence: synonymous variant. On other transcripts: intron variant (2).
Genome position (GRCh38, 1-based): chr16:15,720,307, G>A on the plus strand (C>T on the coding strand, the complement: MYH11 is on the minus strand). VCF-style: chr16-15720307-G-A. GRCh37 (hg19) VCF-style: chr16-15814164-G-A.
Other names: c.4818C>T, p.His1606= (NM_001040113.2, NM_001040114.2); c.4797C>T, p.His1599= (NM_022844.3); c.948-3884G>A (NM_001143979.2, NM_017668.3); c.4797C>T (NM_002474.2).
Identifiers: ClinVar variation 629298 (VCV000629298.12), dbSNP rs764996278, ClinGen allele CA7921536.